The following is an entry in ClinVar:

ClinVar aggregate classification (germline): Likely benign (0 of 4 stars; one submission).

Conditions:
RDH11-related disorder. Also called: RDH11-related condition.

Submission:

PreventionGenetics, part of Exact Sciences
Classification: Likely benign for RDH11-related condition. Last evaluated: 2019-08-26. Review status: no assertion criteria provided. Collection method: clinical testing. Allele origin: germline.
Comment: This variant is classified as likely benign based on ACMG/AMP sequence variant interpretation guidelines (Richards et al. 2015 PMID: 25741868, with internal and published modifications).

NM_016026.4(RDH11):c.-10G>C

Genes: GPHN (gephyrin; plus strand), RDH11 (retinol dehydrogenase 11; minus strand). Cytogenetic location: 14q24.1.
Variant type: single nucleotide variant.
Coding change: c.-10G>C on transcript NM_016026.4 (MANE Select); 10 bases upstream of the start codon, G replaced by C.
Molecular consequence: 5 prime UTR variant.
Genome position (GRCh38, 1-based): chr14:67,695,713, C>G on the plus strand (G>C on the coding strand, the complement: RDH11 is on the minus strand). VCF-style: chr14-67695713-C-G. GRCh37 (hg19) VCF-style: chr14-68162430-C-G.
Other names: c.-10G>C (NM_001252650.2).
Identifiers: ClinVar variation 3052981 (VCV003052981.2), dbSNP rs1400699744, ClinGen allele CA2625364571.